The following is an entry in ClinVar:

NM_014516.4(CNOT3):c.943C>G (p.Gln315Glu)

Gene: CNOT3 (CCR4-NOT transcription complex subunit 3; plus strand). Cytogenetic location: 19q13.42.
Variant type: single nucleotide variant.
Coding change: c.943C>G on transcript NM_014516.4 (MANE Select); coding-DNA position 943, C replaced by G.
Protein change: p.Gln315Glu; replaces glutamine 315 with glutamic acid.
Molecular consequence: missense variant.
Genome position (GRCh38, 1-based): chr19:54,148,196, C>G. VCF-style: chr19-54148196-C-G. GRCh37 (hg19) VCF-style: chr19-54651931-C-G.
Other names: short protein forms Q315E.
Identifiers: ClinVar variation 1805871 (VCV001805871.2), dbSNP rs2517946260, ClinGen allele CA407763197.

ClinVar aggregate classification (germline): Uncertain significance (1 of 4 stars; one submission).

Conditions:
Intellectual developmental disorder with speech delay, autism, and dysmorphic facies. Identifiers: MedGen C5231456, MONDO:0032864, OMIM 618672.

Submission:

Victorian Clinical Genetics Services, Murdoch Childrens Research Institute
Classification: Uncertain significance for Intellectual developmental disorder with speech delay, autism, and dysmorphic facies. Last evaluated: 2021-05-06. Review status: criteria provided, single submitter. Criteria: ACMG Guidelines, 2015. Collection method: clinical testing. Allele origin: germline. Inheritance: Autosomal dominant inheritance. Affected: yes.
Comment: Based on the classification scheme VCGS_Germline_v1.3.4, this variant is classified as VUS-3C. Following criteria are met: 0102 - Loss of function is a likely mechanism of disease in this gene and is associated with CNOT3-related developmental disorder (MIM#618672) (PMIDs: 31201375, 32720325). (I) 0107 - This gene is associated with autosomal dominant disease. (I) 0115 - Variants in this gene are known to have variable expressivity with previously reported intra-familial variability (PMID: 32720325). (I) 0200 - Variant is predicted to result in a missense amino acid change from glutamine to glutamic acid. (I) 0251 - This variant is heterozygous. (I) 0301 - Variant is absent from gnomAD (both v2 and v3). (SP) 0309 - An alternative amino acid change at the same position has been observed in gnomAD (v3) (p.(Gln315Arg): 4 heterozygotes, 0 homozygotes). (I) 0503 - Missense variant consistently predicted to be tolerated by multiple in silico tools or not conserved in placental mammals with a minor amino acid change. (SB) 0600 - Variant is located in a proline-rich region (UniProt). (I) 0705 - No comparable missense variants have previous evidence for pathogenicity. (I) 0807 - This variant has no previous evidence of pathogenicity. (I) 0905 - No published segregation evidence has been identified for this variant. (I) 1007 - No published functional evidence has been identified for this variant. (I) 1208 - Inheritance information for this variant is not currently available in this individual. (I) Legend: (SP) - Supporting pathogenic, (I) - Information, (SB) - Supporting benign

Literature cited by the submitters: PubMed 31201375; PubMed 32720325.